The following is an entry in ClinVar:

ClinVar aggregate classification (germline): Benign (0 of 4 stars; one submission).

Conditions:
MUC16-related disorder. Also called: MUC16-related condition.

Allele frequency attached by ClinVar (database versions not stated): ExAC 0.00147; gnomAD 0.00451; ESP Exome Variant Server 0.00456; 1000 Genomes Project 0.00539; 1000 Genomes Project 30x 0.00578.

Submission:

PreventionGenetics, part of Exact Sciences
Classification: Benign for MUC16-related condition. Last evaluated: 2019-12-11. Review status: no assertion criteria provided. Collection method: clinical testing. Allele origin: germline.
Comment: This variant is classified as benign based on ACMG/AMP sequence variant interpretation guidelines (Richards et al. 2015 PMID: 25741868, with internal and published modifications).

NM_001401501.2(MUC16):c.7508C>T (p.Ser2503Leu)

Genes: MUC16 (mucin 16, cell surface associated; minus strand), LOC129391057 (MPRA-validated peak3341 silencer; plus strand). Cytogenetic location: 19p13.2.
Variant type: single nucleotide variant.
Coding change: c.7508C>T on transcript NM_001401501.2 (MANE Select); coding-DNA position 7508, C replaced by T.
Protein change: p.Ser2503Leu; replaces serine 2503 with leucine.
Molecular consequence: missense variant.
Genome position (GRCh38, 1-based): chr19:8,973,751, G>A on the plus strand (C>T on the coding strand, the complement: MUC16 is on the minus strand). VCF-style: chr19-8973751-G-A. GRCh37 (hg19) VCF-style: chr19-9084427-G-A.
Other names: c.7934C>T, p.Ser2645Leu (NM_001414686.1); c.7388C>T, p.Ser2463Leu (NM_001414687.1, NM_024690.2); short protein forms S2463L, S2503L, S2645L.
Identifiers: ClinVar variation 3050834 (VCV003050834.2), dbSNP rs80163264, ClinGen allele CA9172198.